The following is an entry in ClinVar:

NM_001365951.3(KIF1B):c.5446T>C (p.Tyr1816His)

Gene: KIF1B (kinesin family member 1B; plus strand). Cytogenetic location: 1p36.22.
Variant type: single nucleotide variant.
Coding change: c.5446T>C on transcript NM_001365951.3 (MANE Select); coding-DNA position 5446, T replaced by C.
Protein change: p.Tyr1816His; replaces tyrosine 1816 with histidine.
Molecular consequence: missense variant.
Genome position (GRCh38, 1-based): chr1:10,376,582, T>C. VCF-style: chr1-10376582-T-C. GRCh37 (hg19) VCF-style: chr1-10436640-T-C.
Other names: c.5446T>C, p.Tyr1816His (NM_001365952.1); c.5308T>C, p.Tyr1770His (NM_015074.3); short protein forms Y1816H, Y1770H.
Identifiers: ClinVar variation 3533907 (VCV003533907.2).

ClinVar aggregate classification (germline): Uncertain significance. Review status: criteria provided, multiple submitters, no conflicts (2 of 4 stars). 2 submissions from 2 submitters: Uncertain significance (2). Last evaluated 2025-08-06.

Conditions:
Charcot-Marie-Tooth disease type 2. Also called: Charcot-Marie-Tooth type 2. Identifiers: Orphanet 64746, MedGen C0270914, MONDO:0018993.

Submissions (2):

Labcorp Genetics (formerly Invitae), Labcorp
Classification: Uncertain significance for Charcot-Marie-Tooth disease type 2. Last evaluated: 2025-08-06. Review status: criteria provided, single submitter. Criteria: Invitae Variant Classification Sherloc (09022015). Collection method: clinical testing. Allele origin: germline.
Comment: This sequence change replaces tyrosine, which is neutral and polar, with histidine, which is basic and polar, at codon 1770 of the KIF1B protein (p.Tyr1770His). This variant is not present in population databases (gnomAD no frequency). This variant has not been reported in the literature in individuals affected with KIF1B-related conditions. ClinVar contains an entry for this variant (Variation ID: 3533907). An algorithm developed to predict the effect of missense changes on protein structure and function (PolyPhen-2) suggests that this variant is likely to be tolerated. In summary, the available evidence is currently insufficient to determine the role of this variant in disease. Therefore, it has been classified as a Variant of Uncertain Significance.

Ambry Genetics
Classification: Uncertain significance. Last evaluated: 2024-09-08. Review status: criteria provided, single submitter. Criteria: Ambry Variant Classification Scheme 2023. Collection method: clinical testing. Allele origin: germline.
Comment: The p.Y1770H variant (also known as c.5308T>C), located in coding exon 46 of the KIF1B gene, results from a T to C substitution at nucleotide position 5308. The tyrosine at codon 1770 is replaced by histidine, an amino acid with similar properties. This amino acid position is conserved. In addition, this alteration is predicted to be tolerated by in silico analysis. Based on the available evidence, the clinical significance of this variant remains unclear.